The following is an entry in ClinVar:

ClinVar aggregate classification (germline): Uncertain significance. Review status: criteria provided, multiple submitters, no conflicts (2 of 4 stars). 7 submissions from 7 submitters: Uncertain significance (6). 1 of the submissions does not count toward it. Last evaluated 2026-06-30.

Conditions:
SGSH-related disorder. Also called: SGSH-related condition.
Mucopolysaccharidosis, MPS-III-A (MPS3A). Also called: MUCOPOLYSACCHARIDOSIS, TYPE IIIA, ATTENUATED; Mucopolysaccharidosis type IIIA (Sanfilippo A); mucopolysaccharidosis type 3A; MPS IIIA (Sanfilippo Syndrome Type A); MPS III A; HEPARAN SULFATE SULFATASE DEFICIENCY. Identifiers: Orphanet 581, Orphanet 79269, MedGen C0086647, MONDO:0009655, OMIM 252900.

Allele frequency attached by ClinVar (database versions not stated): gnomAD 0.00015 and 0.00013; TOPMed 0.00013; ExAC 0.00008; gnomAD exomes 0.00010.

Submissions (7):

PreventionGenetics, part of Exact Sciences
Classification: Uncertain significance for SGSH-related condition. Last evaluated: 2026-06-30. Review status: criteria provided, single submitter. Criteria: ACMG Guidelines, 2015. Collection method: clinical testing. Allele origin: germline.
Comment: The SGSH c.276C>G variant is predicted to result in the amino acid substitution p.His92Gln. To our knowledge, this variant has not been reported in the literature. This variant is reported in 0.017% of alleles in individuals of European (Non-Finnish) descent in gnomAD. At this time, the clinical significance of this variant is uncertain due to the absence of conclusive functional and genetic evidence.

Blueprint Genetics
Classification: Uncertain significance. Last evaluated: 2024-09-01. Review status: criteria provided, single submitter. Criteria: ACMG Guidelines, 2015. Collection method: clinical testing. Allele origin: germline.

Labcorp Genetics (formerly Invitae), Labcorp
Classification: Uncertain significance for Mucopolysaccharidosis, MPS-III-A. Last evaluated: 2022-06-09. Review status: criteria provided, single submitter. Criteria: Invitae Variant Classification Sherloc (09022015). Collection method: clinical testing. Allele origin: germline.
Comment: This sequence change replaces histidine, which is basic and polar, with glutamine, which is neutral and polar, at codon 92 of the SGSH protein (p.His92Gln). This variant is present in population databases (rs201478799, gnomAD 0.02%). This variant has not been reported in the literature in individuals affected with SGSH-related conditions. ClinVar contains an entry for this variant (Variation ID: 325844). Advanced modeling of protein sequence and biophysical properties (such as structural, functional, and spatial information, amino acid conservation, physicochemical variation, residue mobility, and thermodynamic stability) performed at Invitae indicates that this missense variant is expected to disrupt SGSH protein function. In summary, the available evidence is currently insufficient to determine the role of this variant in disease. Therefore, it has been classified as a Variant of Uncertain Significance.

Genome-Nilou Lab
Classification: Uncertain significance for Mucopolysaccharidosis, MPS-III-A. Last evaluated: 2021-11-07. Review status: criteria provided, single submitter. Criteria: ACMG Guidelines, 2015. Collection method: clinical testing. Allele origin: germline. Affected: no.

Fulgent Genetics
Classification: Uncertain significance for Mucopolysaccharidosis, MPS-III-A. Last evaluated: 2021-09-03. Review status: criteria provided, single submitter. Criteria: ACMG Guidelines, 2015. Collection method: clinical testing. Allele origin: unknown.

Illumina Laboratory Services, Illumina
Classification: Uncertain significance for Mucopolysaccharidosis, MPS-III-A. Last evaluated: 2018-01-12. Review status: criteria provided, single submitter. Criteria: ICSL Variant Classification Criteria 13 December 2019. Collection method: clinical testing. Allele origin: germline.

Natera, Inc.
Classification: Uncertain significance for Mucopolysaccharidosis type IIIA. Last evaluated: 2019-11-11. Review status: no assertion criteria provided. Collection method: clinical testing. Allele origin: germline. Not counted in ClinVar's aggregate classification.

NM_000199.5(SGSH):c.276C>G (p.His92Gln)

Gene: SGSH (N-sulfoglucosamine sulfohydrolase; minus strand). Cytogenetic location: 17q25.3.
Variant type: single nucleotide variant.
Coding change: c.276C>G on transcript NM_000199.5 (MANE Select); coding-DNA position 276, C replaced by G.
Protein change: p.His92Gln; replaces histidine 92 with glutamine.
Molecular consequence: missense variant.
Genome position (GRCh38, 1-based): chr17:80,215,112, G>C on the plus strand (C>G on the coding strand, the complement: SGSH is on the minus strand). VCF-style: chr17-80215112-G-C. GRCh37 (hg19) VCF-style: chr17-78188911-G-C.
Other names: c.276C>G, p.His92Gln (NM_001352921.3, NM_001352922.2); short protein forms H92Q.
Identifiers: ClinVar variation 325844 (VCV000325844.16), dbSNP rs201478799, ClinGen allele CA8818096.
Genomic context (GRCh38, chr17:80,215,112, plus strand): 5'-GCTGAGCAGCAGCGGCAGGCTCCGCACCTTGTCGAAGGAGTTGAAGTGGTGCACGTCCTG[G>C]TGCAGCCCGTACATCCCATTCTGATGCTGCCAGCAAAGGCGCATGAGGTCCGGGGCCCCC-3'
Protein context (NP_000190.1, residues 82-102): PQHQNGMYGL[His92Gln]QDVHHFNSFD